The following is an entry in ClinVar:

NM_025137.4(SPG11):c.3420G>A (p.Leu1140=)

Gene: SPG11 (SPG11 vesicle trafficking associated, spatacsin; minus strand). Cytogenetic location: 15q21.1.
Variant type: single nucleotide variant.
Coding change: c.3420G>A on transcript NM_025137.4 (MANE Select); coding-DNA position 3420, G replaced by A.
Protein change: p.Leu1140=; no amino-acid change (leucine 1140 retained).
Molecular consequence: synonymous variant.
Genome position (GRCh38, 1-based): chr15:44,608,477, C>T on the plus strand (G>A on the coding strand, the complement: SPG11 is on the minus strand). VCF-style: chr15-44608477-C-T. GRCh37 (hg19) VCF-style: chr15-44900675-C-T.
Other names: p.Leu1140=; c.3420G>A, p.Leu1140= (NM_001160227.2).
Identifiers: ClinVar variation 41305 (VCV000041305.33), dbSNP rs36014111, ClinGen allele CA155278.

ClinVar aggregate classification (germline): Benign. Review status: criteria provided, multiple submitters, no conflicts (2 of 4 stars). 14 submissions from 12 submitters: Benign (10). 4 of the submissions do not count toward it. Last evaluated 2026-02-04.

Conditions:
Charcot-Marie-Tooth disease axonal type 2X. Also called: CHARCOT-MARIE-TOOTH DISEASE, AXONAL, AUTOSOMAL RECESSIVE, TYPE 2X; CHARCOT-MARIE-TOOTH NEUROPATHY, TYPE 2X. Identifiers: Orphanet 466775, MedGen C5569024, MONDO:0014726, OMIM 616668.
Amyotrophic lateral sclerosis type 5 (ALS5). Also called: AMYOTROPHIC LATERAL SCLEROSIS 5, JUVENILE. Identifiers: Orphanet 300605, MedGen C1865864, MONDO:0011196, OMIM 602099.
Hereditary spastic paraplegia. Also called: Familial spastic paraparesis. Identifiers: Orphanet 685, MedGen C0037773, MONDO:0019064. Disease mechanism: loss of function.
Hereditary spastic paraplegia 11. Also called: SPASTIC PARAPLEGIA, AUTOSOMAL RECESSIVE, COMPLICATED, WITH THIN CORPUS CALLOSUM; SPASTIC PARAPLEGIA, AUTOSOMAL RECESSIVE, WITH MENTAL IMPAIRMENT AND THIN CORPUS CALLOSUM; Spastic paraplegia, mental retardation and thin corpus callosum; Spastic Paraplegia 11; Nakamura Osame syndrome; Autosomal recessive hereditary spastic paraplegia, mental impairment, and thin corpus callosum. Identifiers: Orphanet 2822, MedGen C1858479, MONDO:0011445, OMIM 604360.

Allele frequency attached by ClinVar (database versions not stated): 1000 Genomes Project 30x 0.01483; 1000 Genomes Project 0.01558; TOPMed 0.03130; gnomAD 0.03208 and 0.03348; gnomAD exomes 0.03555 and 0.04590; ExAC 0.03708; ESP Exome Variant Server 0.03964.
gnomAD v4.1: 71,667 of 1,613,804 alleles (4.4%); highest among the groups gnomAD compares: Non-Finnish European, 5.3%; 1,946 homozygotes.

Submissions (14):

Labcorp Genetics (formerly Invitae), Labcorp
Classification: Benign for Hereditary spastic paraplegia 11. Last evaluated: 2026-02-04. Review status: criteria provided, single submitter. Criteria: Invitae Variant Classification Sherloc (09022015). Collection method: clinical testing. Allele origin: germline.

Athena Diagnostics
Classification: Benign. Last evaluated: 2025-03-12. Review status: criteria provided, single submitter. Criteria: Athena Diagnostics Criteria. Collection method: clinical testing. Allele origin: unknown.
Comment: The frequency of this variant in the general population is higher than would generally be expected for pathogenic variants in this gene.

Genome Diagnostics Laboratory, The Hospital for Sick Children
Classification: Benign for Hereditary spastic paraplegia. Last evaluated: 2022-01-15. Review status: criteria provided, single submitter. Criteria: ACMG Guidelines, 2015. Collection method: clinical testing. Allele origin: germline. Affected: yes.

Illumina Laboratory Services, Illumina
Classification: Benign for Hereditary spastic paraplegia 11. Last evaluated: 2018-01-13. Review status: criteria provided, single submitter. Criteria: ICSL Variant Classification Criteria 13 December 2019. Collection method: clinical testing. Allele origin: germline.
Comment: This variant was observed in the ICSL laboratory as part of a predisposition screen in an ostensibly healthy population. It had not been previously curated by ICSL or reported in the Human Gene Mutation Database (HGMD: prior to June 1st, 2018), and was therefore a candidate for classification through an automated scoring system. Utilizing variant allele frequency, disease prevalence and penetrance estimates, and inheritance mode, an automated score was calculated to assess if this variant is too frequent to cause the disease. Based on the score and internal cut-off values, a variant classified as benign is not then subjected to further curation. The score for this variant resulted in a classification of benign for this disease.

GeneDx
Classification: Benign. Last evaluated: 2016-05-26. Review status: criteria provided, single submitter. Criteria: GeneDx Variant Classification (06012015). Collection method: clinical testing. Allele origin: germline. Affected: yes.
Comment: This variant is considered likely benign or benign based on one or more of the following criteria: it is a conservative change, it occurs at a poorly conserved position in the protein, it is predicted to be benign by multiple in silico algorithms, and/or has population frequency not consistent with disease.

Mayo Clinic Laboratories, Mayo Clinic
Classification: Benign. Last evaluated: 2016-03-24. Review status: criteria provided, single submitter. Criteria: ACMG Guidelines, 2015. Collection method: clinical testing. Allele origin: germline. Observed: 298 variant alleles.

Breakthrough Genomics
Classification: Benign. Review status: criteria provided, single submitter. Criteria: ACMG Guidelines, 2015. Collection method: not provided. Allele origin: germline. Inheritance: Autosomal recessive inheritance. Affected: yes.

Genome-Nilou Lab
Classification: Benign for Amyotrophic lateral sclerosis type 5. Review status: criteria provided, single submitter. Criteria: ACMG Guidelines, 2015. Collection method: clinical testing. Allele origin: germline.

Genome-Nilou Lab
Classification: Benign for Charcot-Marie-Tooth disease axonal type 2X. Review status: criteria provided, single submitter. Criteria: ACMG Guidelines, 2015. Collection method: clinical testing. Allele origin: germline.

Genome-Nilou Lab
Classification: Benign for Hereditary spastic paraplegia 11. Review status: criteria provided, single submitter. Criteria: ACMG Guidelines, 2015. Collection method: clinical testing. Allele origin: germline.

Genome Diagnostics Laboratory, Amsterdam University Medical Center
Classification: Benign for Hereditary spastic paraplegia 11. Last evaluated: 2016-04-22. Review status: no assertion criteria provided. Criteria: ACGS Guidelines, 2013. Collection method: clinical testing. Allele origin: germline. Affected: yes. Study: VKGL Data-share Consensus. Not counted in ClinVar's aggregate classification.

Clinical Genetics, Academic Medical Center
Classification: Benign. Review status: no assertion criteria provided. Collection method: clinical testing. Allele origin: germline. Affected: yes. Study: VKGL Data-share Consensus. Not counted in ClinVar's aggregate classification.

Genetic Services Laboratory, University of Chicago
Classification: Likely benign for AllHighlyPenetrant. Review status: no assertion criteria provided. Collection method: clinical testing. Allele origin: germline. Inheritance: Autosomal recessive inheritance. Not counted in ClinVar's aggregate classification.
Comment: Likely benign based on allele frequency in 1000 Genomes Project or ESP global frequency and its presence in a patient with a rare or unrelated disease phenotype. NOT Sanger confirmed.

Joint Genome Diagnostic Labs from Nijmegen and Maastricht, Radboudumc and MUMC+
Classification: Benign. Review status: no assertion criteria provided. Collection method: clinical testing. Allele origin: germline. Affected: yes. Study: VKGL Data-share Consensus. Not counted in ClinVar's aggregate classification.